The following is an entry in ClinVar:

ClinVar aggregate classification (germline): Uncertain significance. Review status: criteria provided, multiple submitters, no conflicts (2 of 4 stars). 3 submissions from 3 submitters: Uncertain significance (3). Last evaluated 2026-06-01.

Allele frequency attached by ClinVar (database versions not stated): gnomAD 0.00001; gnomAD exomes 0.00003; TOPMed 0.00003; ExAC 0.00004.

Submissions (3):

CeGaT Center for Human Genetics Tuebingen
Classification: Uncertain significance. Last evaluated: 2026-06-01. Review status: criteria provided, single submitter. Criteria: CeGaT Center For Human Genetics Tuebingen Variant Classification Criteria Version 2. Collection method: clinical testing. Allele origin: germline. Affected: yes. Observed: 1 variant allele.
Comment: ADAMTS13: PM2, BP4

Labcorp Genetics (formerly Invitae), Labcorp
Classification: Uncertain significance. Last evaluated: 2022-05-15. Review status: criteria provided, single submitter. Criteria: Invitae Variant Classification Sherloc (09022015). Collection method: clinical testing. Allele origin: germline.
Comment: In summary, the available evidence is currently insufficient to determine the role of this variant in disease. Therefore, it has been classified as a Variant of Uncertain Significance. Algorithms developed to predict the effect of missense changes on protein structure and function output the following: SIFT: "Tolerated"; PolyPhen-2: "Benign"; Align-GVGD: "Class C0". The valine amino acid residue is found in multiple mammalian species, which suggests that this missense change does not adversely affect protein function. This variant has not been reported in the literature in individuals affected with ADAMTS13-related conditions. This variant is present in population databases (rs782574335, gnomAD 0.006%). This sequence change replaces methionine, which is neutral and non-polar, with valine, which is neutral and non-polar, at codon 496 of the ADAMTS13 protein (p.Met496Val).

Breakthrough Genomics
Classification: Uncertain significance. Review status: criteria provided, single submitter. Criteria: ACMG Guidelines, 2015. Collection method: not provided. Allele origin: germline. Inheritance: Autosomal recessive inheritance. Affected: yes.

NM_139027.6(ADAMTS13):c.1486A>G (p.Met496Val)

Gene: ADAMTS13 (ADAM metallopeptidase with thrombospondin type 1 motif 13; plus strand). Cytogenetic location: 9q34.2.
Variant type: single nucleotide variant.
Coding change: c.1486A>G on transcript NM_139027.6 (MANE Select); coding-DNA position 1486, A replaced by G.
Protein change: p.Met496Val; replaces methionine 496 with valine.
Molecular consequence: missense variant.
Genome position (GRCh38, 1-based): chr9:133,437,799, A>G. VCF-style: chr9-133437799-A-G. GRCh37 (hg19) VCF-style: chr9-136302919-A-G.
Other names: c.1486A>G, p.Met496Val (NM_139025.5); c.1393A>G, p.Met465Val (NM_139026.6); short protein forms M465V, M496V.
Identifiers: ClinVar variation 2177039 (VCV002177039.7), dbSNP rs782574335, ClinGen allele CA200930280.
Genomic context (GRCh38, chr9:133,437,799, plus strand): 5'-GCCCTCCCAGGGGATGCTCTGTGCAGACACATGTGCCGGGCCATTGGCGAGAGCTTCATC[A>G]TGAAGCGTGGAGACAGCTTCCTCGATGGGACCCGGTGTATGCCAAGTGGCCCCCGGGAGG-3'
Protein context (NP_620596.2, residues 486-506): MCRAIGESFI[Met496Val]KRGDSFLDGT